The following is an entry in ClinVar:

ClinVar aggregate classification (germline): Uncertain significance (1 of 4 stars; one submission).

Allele frequency attached by ClinVar (database versions not stated): gnomAD 0.00006; TOPMed 0.00006; ExAC 0.00007; ESP Exome Variant Server 0.00023.

Submission:

Labcorp Genetics (formerly Invitae), Labcorp
Classification: Uncertain significance. Last evaluated: 2025-09-08. Review status: criteria provided, single submitter. Criteria: Invitae Variant Classification Sherloc (09022015). Collection method: clinical testing. Allele origin: germline.
Comment: This sequence change replaces glycine, which is neutral and non-polar, with serine, which is neutral and polar, at codon 262 of the HOXA13 protein (p.Gly262Ser). This variant is present in population databases (rs61737504, gnomAD 0.01%). This variant has not been reported in the literature in individuals affected with HOXA13-related conditions. ClinVar contains an entry for this variant (Variation ID: 2177486). Invitae Evidence Modeling of protein sequence and biophysical properties (such as structural, functional, and spatial information, amino acid conservation, physicochemical variation, residue mobility, and thermodynamic stability) indicates that this missense variant is not expected to disrupt HOXA13 protein function with a negative predictive value of 80%. In summary, the available evidence is currently insufficient to determine the role of this variant in disease. Therefore, it has been classified as a Variant of Uncertain Significance.

NM_000522.5(HOXA13):c.784G>A (p.Gly262Ser)

Genes: HOXA13 (homeobox A13; minus strand), LOC107126288 (NUP98-HOXA13 recombination region; plus strand). Cytogenetic location: 7p15.2.
Variant type: single nucleotide variant.
Coding change: c.784G>A on transcript NM_000522.5 (MANE Select); coding-DNA position 784, G replaced by A.
Protein change: p.Gly262Ser; replaces glycine 262 with serine.
Molecular consequence: missense variant.
Genome position (GRCh38, 1-based): chr7:27,199,294, C>T on the plus strand (G>A on the coding strand, the complement: HOXA13 is on the minus strand). VCF-style: chr7-27199294-C-T. GRCh37 (hg19) VCF-style: chr7-27238913-C-T.
Other names: short protein forms G262S.
Identifiers: ClinVar variation 2177486 (VCV002177486.4), dbSNP rs61737504, ClinGen allele CA4198617.